The following is an entry in ClinVar:

ClinVar aggregate classification (germline): Uncertain significance (1 of 4 stars; one submission).

Conditions:
Familial temporal lobe epilepsy 7. Identifiers: Orphanet 101046, MedGen C4225327, MONDO:0014639, OMIM 616436.
Norman-Roberts syndrome (LIS2). Also called: Lissencephaly 2 (Norman-Roberts type). Identifiers: Orphanet 89844, MedGen C0796089, MONDO:0009760, OMIM 257320.

Allele frequency attached by ClinVar (database versions not stated): gnomAD exomes 0.00001.
gnomAD v4.1: 13 of 1,613,254 alleles (0.00081%); highest among the groups gnomAD compares: South Asian, 0.0044%; no homozygotes.

Submission:

Labcorp Genetics (formerly Invitae), Labcorp
Classification: Uncertain significance for Familial temporal lobe epilepsy 7; Norman-Roberts syndrome. Last evaluated: 2023-08-27. Review status: criteria provided, single submitter. Criteria: Invitae Variant Classification Sherloc (09022015). Collection method: clinical testing. Allele origin: germline.
Comment: In summary, the available evidence is currently insufficient to determine the role of this variant in disease. Therefore, it has been classified as a Variant of Uncertain Significance. Advanced modeling of protein sequence and biophysical properties (such as structural, functional, and spatial information, amino acid conservation, physicochemical variation, residue mobility, and thermodynamic stability) performed at Invitae indicates that this missense variant is not expected to disrupt RELN protein function. This variant has not been reported in the literature in individuals affected with RELN-related conditions. This variant is present in population databases (no rsID available, gnomAD 0.004%). This sequence change replaces methionine, which is neutral and non-polar, with valine, which is neutral and non-polar, at codon 451 of the RELN protein (p.Met451Val).

NM_005045.4(RELN):c.1351A>G (p.Met451Val)

Genes: RELN (reelin; minus strand), LOC126860131 (MED14-independent group 3 enhancer GRCh37_chr7:103301048-103302247; plus strand). Cytogenetic location: 7q22.1.
Variant type: single nucleotide variant.
Coding change: c.1351A>G on transcript NM_005045.4 (MANE Select); coding-DNA position 1351, A replaced by G.
Protein change: p.Met451Val; replaces methionine 451 with valine.
Molecular consequence: missense variant.
Genome position (GRCh38, 1-based): chr7:103,661,466, T>C on the plus strand (A>G on the coding strand, the complement: RELN is on the minus strand). VCF-style: chr7-103661466-T-C. GRCh37 (hg19) VCF-style: chr7-103301913-T-C.
Other names: c.1351A>G, p.Met451Val (NM_173054.3); short protein forms M451V.
Identifiers: ClinVar variation 2928934 (VCV002928934.3), dbSNP rs1237809567, ClinGen allele CA368768199.